The following is an entry in ClinVar:

ClinVar aggregate classification (germline): Likely benign. Review status: criteria provided, single submitter (1 of 4 stars). 2 submissions from 2 submitters: Likely benign (1). 1 of the submissions does not count toward it. Last evaluated 2023-03-20.

Conditions:
NCOA1-related disorder. Also called: NCOA1-related condition.

Allele frequency attached by ClinVar (database versions not stated): ExAC 0.00002; gnomAD 0.00003; TOPMed 0.00004; ESP Exome Variant Server 0.00015.
gnomAD v4.1: 114 of 1,598,684 alleles (0.0071%); highest among the groups gnomAD compares: Non-Finnish European, 0.0096%; no homozygotes.

Submissions (2):

Ambry Genetics
Classification: Likely benign. Last evaluated: 2023-03-20. Review status: criteria provided, single submitter. Criteria: Ambry Variant Classification Scheme 2023. Collection method: clinical testing. Allele origin: germline.

PreventionGenetics, part of Exact Sciences
Classification: Uncertain significance for NCOA1-related condition. Last evaluated: 2024-04-06. Review status: no assertion criteria provided. Collection method: clinical testing. Allele origin: germline. Not counted in ClinVar's aggregate classification.
Comment: The NCOA1 c.2383A>G variant is predicted to result in the amino acid substitution p.Thr795Ala. To our knowledge, this variant has not been reported in the literature. This variant is reported in 0.0024% of alleles in individuals of European (non-Finnish) descent in gnomAD. At this time, the clinical significance of this variant is uncertain due to the absence of conclusive functional and genetic evidence.

NM_003743.5(NCOA1):c.2383A>G (p.Thr795Ala)

Gene: NCOA1 (nuclear receptor coactivator 1; plus strand). Cytogenetic location: 2p23.3.
Variant type: single nucleotide variant.
Coding change: c.2383A>G on transcript NM_003743.5 (MANE Select); coding-DNA position 2383, A replaced by G.
Protein change: p.Thr795Ala; replaces threonine 795 with alanine.
Molecular consequence: missense variant.
Genome position (GRCh38, 1-based): chr2:24,707,853, A>G. VCF-style: chr2-24707853-A-G. GRCh37 (hg19) VCF-style: chr2-24930722-A-G.
Other names: c.2383A>G, p.Thr795Ala (NM_001362950.1, NM_001362952.1, NM_001362954.1 and 3 more transcripts); short protein forms T795A.
Identifiers: ClinVar variation 2551541 (VCV002551541.3), dbSNP rs369037680, ClinGen allele CA1552386.